The following is an entry in ClinVar:

NM_004370.6(COL12A1):c.3570G>A (p.Met1190Ile)

Gene: COL12A1 (collagen type XII alpha 1 chain; minus strand). Cytogenetic location: 6q13.
Variant type: single nucleotide variant.
Coding change: c.3570G>A on transcript NM_004370.6 (MANE Select); coding-DNA position 3570, G replaced by A.
Protein change: p.Met1190Ile; replaces methionine 1190 with isoleucine.
Molecular consequence: missense variant.
Genome position (GRCh38, 1-based): chr6:75,152,478, C>T on the plus strand (G>A on the coding strand, the complement: COL12A1 is on the minus strand). VCF-style: chr6-75152478-C-T. GRCh37 (hg19) VCF-style: chr6-75862194-C-T.
Other names: c.78G>A, p.Met26Ile (NM_080645.3); short protein forms M1190I, M26I.
Identifiers: ClinVar variation 655072 (VCV000655072.12), dbSNP rs536615203, ClinGen allele CA3893671.
Genomic context (GRCh38, chr6:75,152,478, plus strand): 5'-GATGCTCCATGATCCATCCACCAGCAACACAATGTCTGCCTCAGCTCTGGTGAGACACTC[C>T]ATCCCTGACATGGCAATCATGAGACAAGACAGTAAGAAGCAAATTGTTGGCAAGGGTACT-3'
Protein context (NP_004361.3, residues 1180-1200): TTVMPILSSG[Met1190Ile]ECLTRAEADI

ClinVar aggregate classification (germline): Conflicting classifications of pathogenicity. Review status: criteria provided, conflicting classifications (1 of 4 stars). 3 submissions from 3 submitters: Uncertain significance (2); Likely benign (1). Last evaluated 2025-11-10.

Conditions:
Ullrich congenital muscular dystrophy 2 (UCMD2). Identifiers: Orphanet 75840, MedGen C4225314, MONDO:0014654, OMIM 616470.
Bethlem myopathy 2 (BTHLM2). Identifiers: Orphanet 536516, Orphanet 610, MedGen C4225313, MONDO:0034022, OMIM 616471.

Allele frequency attached by ClinVar (database versions not stated): ExAC 0.00003; 1000 Genomes Project 0.00020; TOPMed 0.00006; 1000 Genomes Project 30x 0.00016; gnomAD exomes 0.00003.

Submissions (3):

Labcorp Genetics (formerly Invitae), Labcorp
Classification: Uncertain significance for Bethlem myopathy 2; Ullrich congenital muscular dystrophy 2. Last evaluated: 2025-11-10. Review status: criteria provided, single submitter. Criteria: Invitae Variant Classification Sherloc (09022015). Collection method: clinical testing. Allele origin: germline.
Comment: This sequence change replaces methionine, which is neutral and non-polar, with isoleucine, which is neutral and non-polar, at codon 1190 of the COL12A1 protein (p.Met1190Ile). This variant is present in population databases (rs536615203, gnomAD 0.006%). This variant has not been reported in the literature in individuals affected with COL12A1-related conditions. ClinVar contains an entry for this variant (Variation ID: 655072). Invitae Evidence Modeling of protein sequence and biophysical properties (such as structural, functional, and spatial information, amino acid conservation, physicochemical variation, residue mobility, and thermodynamic stability) indicates that this missense variant is not expected to disrupt COL12A1 protein function with a negative predictive value of 80%. Algorithms developed to predict the effect of sequence changes on RNA splicing suggest that this variant may disrupt the consensus splice site. In summary, the available evidence is currently insufficient to determine the role of this variant in disease. Therefore, it has been classified as a Variant of Uncertain Significance.

GeneDx
Classification: Likely benign. Last evaluated: 2019-04-30. Review status: criteria provided, single submitter. Criteria: GeneDx Variant Classification Process June 2021. Collection method: clinical testing. Allele origin: germline. Affected: yes.

Revvity Omics, Revvity
Classification: Uncertain significance. Last evaluated: 2019-01-15. Review status: criteria provided, single submitter. Criteria: ACMG Guidelines, 2015. Collection method: clinical testing. Allele origin: germline.